The following is an entry in ClinVar:

NM_000548.5(TSC2):c.3020C>G (p.Ser1007Cys)

Gene: TSC2 (TSC complex subunit 2; plus strand). Cytogenetic location: 16p13.3.
Variant type: single nucleotide variant.
Coding change: c.3020C>G on transcript NM_000548.5 (MANE Select); coding-DNA position 3020, C replaced by G.
Protein change: p.Ser1007Cys; replaces serine 1007 with cysteine.
Molecular consequence: missense variant.
Genome position (GRCh38, 1-based): chr16:2,079,085, C>G. VCF-style: chr16-2079085-C-G. GRCh37 (hg19) VCF-style: chr16-2129086-C-G.
Other names: c.2888C>G, p.Ser963Cys (NM_001077183.3, NM_001370404.1); c.3020C>G, p.Ser1007Cys (NM_001114382.3); c.2780C>G, p.Ser927Cys (NM_001318827.2); c.2744C>G, p.Ser915Cys (NM_001318829.2); c.2288C>G, p.Ser763Cys (NM_001318831.2); c.2921C>G, p.Ser974Cys (NM_001318832.2); c.2891C>G, p.Ser964Cys (NM_001363528.2, NM_001370405.1, NM_021055.3); short protein forms S1007C, S763C, S915C, S927C, S963C, S964C, S974C.
Identifiers: ClinVar variation 1311893 (VCV001311893.2), dbSNP rs2151431750, ClinGen allele CA394283930.

ClinVar aggregate classification (germline): Uncertain significance (1 of 4 stars; one submission).

Submission:

GeneDx
Classification: Uncertain significance. Last evaluated: 2020-01-15. Review status: criteria provided, single submitter. Criteria: GeneDx Variant Classification Process June 2021. Collection method: clinical testing. Allele origin: germline. Affected: yes.
Comment: Not observed in large population cohorts (Lek et al., 2016); In silico analysis, which includes protein predictors and evolutionary conservation, supports that this variant does not alter protein structure/function; Has not been previously published as pathogenic or benign to our knowledge